The following is an entry in ClinVar:

NM_152703.5(SAMD9L):c.2511A>C (p.Leu837Phe)

Gene: SAMD9L (sterile alpha motif domain containing 9 like; minus strand). Cytogenetic location: 7q21.2.
Variant type: single nucleotide variant.
Coding change: c.2511A>C on transcript NM_152703.5 (MANE Select); coding-DNA position 2511, A replaced by C.
Protein change: p.Leu837Phe; replaces leucine 837 with phenylalanine.
Molecular consequence: missense variant.
Genome position (GRCh38, 1-based): chr7:93,133,461, T>G on the plus strand (A>C on the coding strand, the complement: SAMD9L is on the minus strand). VCF-style: chr7-93133461-T-G. GRCh37 (hg19) VCF-style: chr7-92762774-T-G.
Other names: c.2511A>C, p.Leu837Phe (NM_001303496.3, NM_001303497.3, NM_001303498.3 and 5 more transcripts); short protein forms L837F.
Identifiers: ClinVar variation 4159424 (VCV004159424.1).

ClinVar aggregate classification (germline): Uncertain significance (1 of 4 stars; one submission).

Conditions:
Inborn genetic diseases. Identifiers: MedGen C0950123, MeSH D030342.

gnomAD v4.1: 2 of 1,613,064 alleles (0.00012%); highest among the groups gnomAD compares: Non-Finnish European, 0.00017%; no homozygotes.

Submission:

Ambry Genetics
Classification: Uncertain significance for Inborn genetic diseases. Last evaluated: 2025-08-20. Review status: criteria provided, single submitter. Criteria: Ambry Variant Classification Scheme 2023. Collection method: clinical testing. Allele origin: germline.
Comment: The p.L837F variant (also known as c.2511A>C), located in coding exon 1 of the SAMD9L gene, results from an A to C substitution at nucleotide position 2511. The leucine at codon 837 is replaced by phenylalanine, an amino acid with highly similar properties. This amino acid position is conserved. In addition, this alteration is predicted to be tolerated by in silico analysis. Based on the available evidence, the clinical significance of this variant remains unclear.